The following is an entry in ClinVar:

ClinVar aggregate classification (germline): Likely benign. Review status: criteria provided, multiple submitters, no conflicts (2 of 4 stars). 7 submissions from 7 submitters: Likely benign (6). 1 of the submissions does not count toward it. Last evaluated 2026-09-01.

Conditions:
SMARCA4-related disorder. Also called: SMARCA4-related condition.
Hereditary cancer-predisposing syndrome. Also called: Hereditary Cancer Syndrome; Hereditary neoplastic syndrome; Neoplastic Syndromes, Hereditary; Tumor predisposition. Identifiers: Orphanet 140162, MedGen C0027672, MeSH D009386, MONDO:0015356.
Rhabdoid tumor predisposition syndrome 2 (RTPS2). Identifiers: Orphanet 231108, Orphanet 69077, MedGen C2750074, MONDO:0013224, OMIM 613325.
Intellectual disability, autosomal dominant 16 (CSS4). Also called: COFFIN-SIRIS SYNDROME 4. Identifiers: Orphanet 1465, MedGen C3553249, MONDO:0013821, OMIM 614609.

Allele frequency attached by ClinVar (database versions not stated): gnomAD exomes 0.00005; ExAC 0.00005; ESP Exome Variant Server 0.00008; gnomAD 0.00002; TOPMed 0.00003.
gnomAD v4.1: 51 of 1,606,472 alleles (0.0032%); highest among the groups gnomAD compares: South Asian, 0.01%; 1 homozygote.

Submissions (7):

CeGaT Center for Human Genetics Tuebingen
Classification: Likely benign. Last evaluated: 2026-09-01. Review status: criteria provided, single submitter. Criteria: CeGaT Center For Human Genetics Tuebingen Variant Classification Criteria Version 2. Collection method: clinical testing. Allele origin: germline. Affected: yes. Observed: 3 variant alleles.
Comment: SMARCA4: BP4

Myriad Genetics, Inc.
Classification: Likely benign for Rhabdoid tumor predisposition syndrome 2. Last evaluated: 2026-07-07. Review status: criteria provided, single submitter. Criteria: Myriad Autosomal Dominant, Autosomal Recessive and X-Linked Classification Criteria (2023). Collection method: clinical testing. Allele origin: unknown.
Comment: This variant is considered likely benign. This variant is intronic and is not expected to impact mRNA splicing.

Labcorp Genetics (formerly Invitae), Labcorp
Classification: Likely benign for Rhabdoid tumor predisposition syndrome 2. Last evaluated: 2026-01-28. Review status: criteria provided, single submitter. Criteria: Invitae Variant Classification Sherloc (09022015). Collection method: clinical testing. Allele origin: germline.

Genome-Nilou Lab
Classification: Likely benign for Intellectual disability, autosomal dominant 16. Last evaluated: 2021-07-15. Review status: criteria provided, single submitter. Criteria: ACMG Guidelines, 2015. Collection method: clinical testing. Allele origin: germline. Affected: no.

Ambry Genetics
Classification: Likely benign for Hereditary cancer-predisposing syndrome. Last evaluated: 2020-11-06. Review status: criteria provided, single submitter. Criteria: Ambry Variant Classification Scheme 2023. Collection method: clinical testing. Allele origin: germline.

GeneDx
Classification: Likely benign. Last evaluated: 2018-02-14. Review status: criteria provided, single submitter. Criteria: GeneDx Variant Classification (06012015). Collection method: clinical testing. Allele origin: germline. Affected: yes.
Comment: This variant is considered likely benign or benign based on one or more of the following criteria: it is a conservative change, it occurs at a poorly conserved position in the protein, it is predicted to be benign by multiple in silico algorithms, and/or has population frequency not consistent with disease.

PreventionGenetics, part of Exact Sciences
Classification: Likely benign for SMARCA4-related condition. Last evaluated: 2021-08-20. Review status: no assertion criteria provided. Collection method: clinical testing. Allele origin: germline. Not counted in ClinVar's aggregate classification.
Comment: This variant is classified as likely benign based on ACMG/AMP sequence variant interpretation guidelines (Richards et al. 2015 PMID: 25741868, with internal and published modifications).

NM_003072.5(SMARCA4):c.2617-5C>T

Gene: SMARCA4 (SWI/SNF related BAF chromatin remodeling complex subunit ATPase 4; plus strand). Cytogenetic location: 19p13.2.
Variant type: single nucleotide variant.
Coding change: c.2617-5C>T on transcript NM_003072.5 (MANE Select); 5 bases into the intron before coding-DNA position 2617, C replaced by T.
Molecular consequence: intron variant.
Genome position (GRCh38, 1-based): chr19:11,021,720, C>T. VCF-style: chr19-11021720-C-T. GRCh37 (hg19) VCF-style: chr19-11132396-C-T.
Other names: c.2617-5C>T (NM_001128844.3, NM_001128849.3, NM_001128847.4 and 5 more transcripts).
Identifiers: ClinVar variation 408714 (VCV000408714.42), dbSNP rs377743250, ClinGen allele CA9204209.